The following is an entry in ClinVar:

ClinVar aggregate classification (germline): Benign. Review status: criteria provided, multiple submitters, no conflicts (2 of 4 stars). 2 submissions from 2 submitters: Benign (2). Last evaluated 2026-01-19.

Conditions:
Congenital stationary night blindness 1D. Also called: Night blindness, congenital stationary (complete), 1D, autosomal recessive. Identifiers: Orphanet 215, MedGen C3151193, MONDO:0013450, OMIM 613830.

Allele frequency attached by ClinVar (database versions not stated): gnomAD 0.00006 and 0.00112; ESP Exome Variant Server 0.00008; TOPMed 0.00025; gnomAD exomes 0.00348; ExAC 0.00393; 1000 Genomes Project 30x 0.00515; 1000 Genomes Project 0.00519.
gnomAD v4.1: 2,807 of 1,612,872 alleles (0.17%); highest among the groups gnomAD compares: South Asian, 2.9%; 54 homozygotes.

Submissions (2):

Labcorp Genetics (formerly Invitae), Labcorp
Classification: Benign. Last evaluated: 2026-01-19. Review status: criteria provided, single submitter. Criteria: Invitae Variant Classification Sherloc (09022015). Collection method: clinical testing. Allele origin: germline.

Illumina Laboratory Services, Illumina
Classification: Benign for Congenital stationary night blindness 1D. Last evaluated: 2018-01-13. Review status: criteria provided, single submitter. Criteria: ICSL Variant Classification Criteria 13 December 2019. Collection method: clinical testing. Allele origin: germline.
Comment: This variant was observed in the ICSL laboratory as part of a predisposition screen in an ostensibly healthy population. It had not been previously curated by ICSL or reported in the Human Gene Mutation Database (HGMD: prior to June 1st, 2018), and was therefore a candidate for classification through an automated scoring system. Utilizing variant allele frequency, disease prevalence and penetrance estimates, and inheritance mode, an automated score was calculated to assess if this variant is too frequent to cause the disease. Based on the score and internal cut-off values, a variant classified as benign is not then subjected to further curation. The score for this variant resulted in a classification of benign for this disease.

NM_004727.3(SLC24A1):c.2884-15G>A

Gene: SLC24A1 (solute carrier family 24 member 1; plus strand). Cytogenetic location: 15q22.31.
Variant type: single nucleotide variant.
Coding change: c.2884-15G>A on transcript NM_004727.3 (MANE Select); 15 bases into the intron before coding-DNA position 2884, G replaced by A.
Molecular consequence: intron variant.
Genome position (GRCh38, 1-based): chr15:65,652,627, G>A. VCF-style: chr15-65652627-G-A. GRCh37 (hg19) VCF-style: chr15-65944965-G-A.
Other names: c.2830-15G>A (NM_001301033.2, NM_001301032.1); c.2794-15G>A (NM_001301031.1); c.865-15G>A (NM_001254740.2).
Identifiers: ClinVar variation 316807 (VCV000316807.13), dbSNP rs371022531, ClinGen allele CA7620270.